The following is an entry in ClinVar:

NM_002317.7(LOX):c.445G>T (p.Gly149Ter)

Genes: LOX (lysyl oxidase; minus strand), SRFBP1 (serum response factor binding protein 1; plus strand). Cytogenetic location: 5q23.1.
Variant type: single nucleotide variant.
Coding change: c.445G>T on transcript NM_002317.7 (MANE Select); coding-DNA position 445, G replaced by T.
Protein change: p.Gly149Ter; replaces glycine 149 with a stop codon.
Molecular consequence: nonsense.
Genome position (GRCh38, 1-based): chr5:122,077,541, C>A on the plus strand (G>T on the coding strand, the complement: LOX is on the minus strand). VCF-style: chr5-122077541-C-A. GRCh37 (hg19) VCF-style: chr5-121413236-C-A.
Other names: short protein forms G149*.
Identifiers: ClinVar variation 1098842 (VCV001098842.3), dbSNP rs766969559, ClinGen allele CA360876187.

ClinVar aggregate classification (germline): Pathogenic. Review status: criteria provided, single submitter (1 of 4 stars). 2 submissions from 1 submitter: Pathogenic (2). Last evaluated 2024-09-06.

Conditions:
Familial thoracic aortic aneurysm and aortic dissection (TAAD). Also called: Thoracic aortic aneurysms and dissections. Identifiers: Orphanet 91387, MedGen C4707243, MONDO:0019625.
Aortic aneurysm, familial thoracic 10 (AAT10). Identifiers: MedGen C4284414, MONDO:0014950, OMIM 617168.

Submissions (2):

Centre of Medical Genetics, University of Antwerp
Classification: Pathogenic for Familial thoracic aortic aneurysm and aortic dissection. Last evaluated: 2024-09-06. Review status: criteria provided, single submitter. Criteria: ACMG Guidelines, 2015. Collection method: clinical testing. Allele origin: germline. Affected: yes.
Comment: P(PVS1; PM2; PP5)

Centre of Medical Genetics, University of Antwerp
Classification: Pathogenic for Aortic aneurysm, familial thoracic 10. Last evaluated: 2021-02-19. Review status: criteria provided, single submitter. Criteria: ACMG Guidelines, 2015. Collection method: research. Allele origin: unknown. Affected: yes.
Comment: PVS1, PS3, PM2

Literature cited by the submitters: PubMed 34281165.